The following is an entry in ClinVar:

ClinVar aggregate classification (germline): Uncertain significance (1 of 4 stars; one submission).

Submission:

Labcorp Genetics (formerly Invitae), Labcorp
Classification: Uncertain significance. Last evaluated: 2025-04-09. Review status: criteria provided, single submitter. Criteria: Invitae Variant Classification Sherloc (09022015). Collection method: clinical testing. Allele origin: germline.
Comment: This sequence change replaces alanine, which is neutral and non-polar, with proline, which is neutral and non-polar, at codon 170 of the MS4A1 protein (p.Ala170Pro). This variant is present in population databases (rs370796845, gnomAD 0.002%). This variant has not been reported in the literature in individuals affected with MS4A1-related conditions. An algorithm developed to predict the effect of missense changes on protein structure and function (PolyPhen-2) suggests that this variant is likely to be tolerated. In summary, the available evidence is currently insufficient to determine the role of this variant in disease. Therefore, it has been classified as a Variant of Uncertain Significance.

NM_152866.3(MS4A1):c.508G>C (p.Ala170Pro)

Gene: MS4A1 (membrane spanning 4-domains A1; plus strand). Cytogenetic location: 11q12.2.
Variant type: single nucleotide variant.
Coding change: c.508G>C on transcript NM_152866.3 (MANE Select); coding-DNA position 508, G replaced by C.
Protein change: p.Ala170Pro; replaces alanine 170 with proline.
Molecular consequence: missense variant.
Genome position (GRCh38, 1-based): chr11:60,466,092, G>C. VCF-style: chr11-60466092-G-C. GRCh37 (hg19) VCF-style: chr11-60233565-G-C.
Other names: c.508G>C, p.Ala170Pro (NM_021950.4, NM_152867.2); short protein forms A170P.
Identifiers: ClinVar variation 4776083 (VCV004776083.1).
Genomic context (GRCh38, chr11:60,466,092, plus strand): 5'-GAGAGTCTGAATTTTATTAGAGCTCACACACCATATATTAACATATACAACTGTGAACCA[G>C]CTAATCCCTCTGAGAAAAACTCCCCATCTACCCAATACTGTTACAGCATACAATCTCTGT-3'
Protein context (NP_690605.1, residues 160-180): PYINIYNCEP[Ala170Pro]NPSEKNSPST